The following is an entry in ClinVar:

ClinVar aggregate classification (germline): Uncertain significance. Review status: criteria provided, multiple submitters, no conflicts (2 of 4 stars). 2 submissions from 2 submitters: Uncertain significance (2). Last evaluated 2022-07-26.

Conditions:
Inborn genetic diseases. Identifiers: MedGen C0950123, MeSH D030342.

Allele frequency attached by ClinVar (database versions not stated): ESP Exome Variant Server 0.00015.
gnomAD v4.1: 16 of 1,613,970 alleles (0.00099%); highest among the groups gnomAD compares: African/African-American, 0.015%; no homozygotes.

Submissions (2):

Labcorp Genetics (formerly Invitae), Labcorp
Classification: Uncertain significance. Last evaluated: 2022-07-26. Review status: criteria provided, single submitter. Criteria: Invitae Variant Classification Sherloc (09022015). Collection method: clinical testing. Allele origin: germline.
Comment: This sequence change replaces arginine, which is basic and polar, with leucine, which is neutral and non-polar, at codon 165 of the PDZD7 protein (p.Arg165Leu). This variant is present in population databases (rs149282897, gnomAD 0.02%). This variant has not been reported in the literature in individuals affected with PDZD7-related conditions. ClinVar contains an entry for this variant (Variation ID: 1472863). Algorithms developed to predict the effect of missense changes on protein structure and function are either unavailable or do not agree on the potential impact of this missense change (SIFT: "Deleterious"; PolyPhen-2: "Not Available"; Align-GVGD: "Class C65"). In summary, the available evidence is currently insufficient to determine the role of this variant in disease. Therefore, it has been classified as a Variant of Uncertain Significance.

Ambry Genetics
Classification: Uncertain significance for Inborn genetic diseases. Last evaluated: 2021-10-20. Review status: criteria provided, single submitter. Criteria: Ambry Variant Classification Scheme 2023. Collection method: clinical testing. Allele origin: germline.

NM_001195263.2(PDZD7):c.494G>T (p.Arg165Leu)

Gene: PDZD7 (PDZ domain containing 7; minus strand). Cytogenetic location: 10q24.31.
Variant type: single nucleotide variant.
Coding change: c.494G>T on transcript NM_001195263.2 (MANE Select); coding-DNA position 494, G replaced by T.
Protein change: p.Arg165Leu; replaces arginine 165 with leucine.
Molecular consequence: missense variant.
Genome position (GRCh38, 1-based): chr10:101,023,484, C>A on the plus strand (G>T on the coding strand, the complement: PDZD7 is on the minus strand). VCF-style: chr10-101023484-C-A. GRCh37 (hg19) VCF-style: chr10-102783241-C-A.
Other names: c.494G>T (NM_001195263.1); c.494G>T, p.Arg165Leu (NM_001351044.2, NM_024895.5); short protein forms R165L.
Identifiers: ClinVar variation 1472863 (VCV001472863.4), dbSNP rs149282897, ClinGen allele CA5654368.